The following is an entry in ClinVar:

NM_005120.3(MED12):c.2082G>A (p.Glu694=)

Gene: MED12 (mediator complex subunit 12; plus strand). Cytogenetic location: Xq13.1.
Variant type: single nucleotide variant.
Coding change: c.2082G>A on transcript NM_005120.3 (MANE Select); coding-DNA position 2082, G replaced by A.
Protein change: p.Glu694=; no amino-acid change (glutamic acid 694 retained).
Molecular consequence: synonymous variant.
Genome position (GRCh38, 1-based): chrX:71,125,002, G>A. VCF-style: chrX-71125002-G-A. GRCh37 (hg19) VCF-style: chrX-70344852-G-A.
Identifiers: ClinVar variation 2849594 (VCV002849594.3), dbSNP rs2519677592, ClinGen allele CA516818832.
Genomic context (GRCh38, chrX:71,125,002, plus strand): 5'-CTTCTCATGTTCTGCTTTCTCACCTTTCTCTCAGTTGTTCTCCCCTACTATGCCCTGTGA[G>A]GGGAAGGGCAGTCCATCCCCTGAGAAGCCAGATGTCGAGAAGGAGGTGAAGCCCCCACCC-3'
Protein context (NP_005111.2, residues 684-704): FSLFSPTMPC[Glu694=]GKGSPSPEKP

ClinVar aggregate classification (germline): Uncertain significance (1 of 4 stars; one submission).

Conditions:
FG syndrome (FGS). Identifiers: MedGen C0220769, MONDO:0002010.

Allele frequency attached by ClinVar (database versions not stated): gnomAD exomes below 0.00001.
gnomAD v4.1: 3 of 1,210,865 alleles (0.00025%); highest among the groups gnomAD compares: Non-Finnish European, 0.00034%; no homozygotes.

Submission:

Labcorp Genetics (formerly Invitae), Labcorp
Classification: Uncertain significance for FG syndrome. Last evaluated: 2023-03-26. Review status: criteria provided, single submitter. Criteria: Invitae Variant Classification Sherloc (09022015). Collection method: clinical testing. Allele origin: germline.
Comment: In summary, the available evidence is currently insufficient to determine the role of this variant in disease. Therefore, it has been classified as a Variant of Uncertain Significance. Algorithms developed to predict the effect of sequence changes on RNA splicing suggest that this variant may create or strengthen a splice site. This variant has not been reported in the literature in individuals affected with MED12-related conditions. This variant is not present in population databases (gnomAD no frequency). This sequence change affects codon 694 of the MED12 mRNA. It is a 'silent' change, meaning that it does not change the encoded amino acid sequence of the MED12 protein.